The following is an entry in ClinVar:

ClinVar aggregate classification (germline): Uncertain significance (1 of 4 stars; one submission).

Allele frequency attached by ClinVar (database versions not stated): TOPMed 0.00001.
gnomAD v4.1: 9 of 1,613,810 alleles (0.00056%); highest among the groups gnomAD compares: South Asian, 0.0033%; no homozygotes.

Submission:

Labcorp Genetics (formerly Invitae), Labcorp
Classification: Uncertain significance. Last evaluated: 2023-04-09. Review status: criteria provided, single submitter. Criteria: Invitae Variant Classification Sherloc (09022015). Collection method: clinical testing. Allele origin: germline.
Comment: In summary, the available evidence is currently insufficient to determine the role of this variant in disease. Therefore, it has been classified as a Variant of Uncertain Significance. Advanced modeling of protein sequence and biophysical properties (such as structural, functional, and spatial information, amino acid conservation, physicochemical variation, residue mobility, and thermodynamic stability) performed at Invitae indicates that this missense variant is not expected to disrupt POLR1A protein function. This variant has not been reported in the literature in individuals affected with POLR1A-related conditions. This variant is present in population databases (no rsID available, gnomAD 0.006%). This sequence change replaces arginine, which is basic and polar, with cysteine, which is neutral and slightly polar, at codon 1110 of the POLR1A protein (p.Arg1110Cys).

NM_015425.6(POLR1A):c.3328C>T (p.Arg1110Cys)

Gene: POLR1A (RNA polymerase I subunit A; minus strand). Cytogenetic location: 2p11.2.
Variant type: single nucleotide variant.
Coding change: c.3328C>T on transcript NM_015425.6 (MANE Select); coding-DNA position 3328, C replaced by T.
Protein change: p.Arg1110Cys; replaces arginine 1110 with cysteine.
Molecular consequence: missense variant.
Genome position (GRCh38, 1-based): chr2:86,043,003, G>A on the plus strand (C>T on the coding strand, the complement: POLR1A is on the minus strand). VCF-style: chr2-86043003-G-A. GRCh37 (hg19) VCF-style: chr2-86270126-G-A.
Other names: short protein forms R1110C.
Identifiers: ClinVar variation 2900540 (VCV002900540.3), dbSNP rs992470587, ClinGen allele CA51332437.